The following is an entry in ClinVar:

ClinVar aggregate classification (germline): Uncertain significance. Review status: criteria provided, multiple submitters, no conflicts (2 of 4 stars). 3 submissions from 3 submitters: Uncertain significance (2). 1 of the submissions does not count toward it. Last evaluated 2025-08-04.

Conditions:
SDK2-related disorder. Also called: SDK2-related condition.

Allele frequency attached by ClinVar (database versions not stated): gnomAD exomes 0.00009 and 0.00022; ExAC 0.00047; ESP Exome Variant Server 0.00070; gnomAD 0.00088 and 0.00098; 1000 Genomes Project 30x 0.00094; 1000 Genomes Project 0.00100; TOPMed 0.00101.
gnomAD v4.1: 268 of 1,555,080 alleles (0.017%); highest among the groups gnomAD compares: African/African-American, 0.33%; no homozygotes.

Submissions (3):

Ambry Genetics
Classification: Uncertain significance. Last evaluated: 2025-08-04. Review status: criteria provided, single submitter. Criteria: Ambry Variant Classification Scheme 2023. Collection method: clinical testing. Allele origin: germline.

New York Genome Center
Classification: Uncertain significance. Last evaluated: 2019-09-12. Review status: criteria provided, single submitter. Criteria: NYGC Assertion Criteria 2020. Collection method: clinical testing. Allele origin: paternal. Inheritance: Autosomal recessive inheritance. Affected: yes. Observed: 1 compound heterozygote. Study: CSER-NYCKidSeq.

PreventionGenetics, part of Exact Sciences
Classification: Likely benign for SDK2-related condition. Last evaluated: 2023-02-28. Review status: no assertion criteria provided. Collection method: clinical testing. Allele origin: germline. Not counted in ClinVar's aggregate classification.
Comment: This variant is classified as likely benign based on ACMG/AMP sequence variant interpretation guidelines (Richards et al. 2015 PMID: 25741868, with internal and published modifications).

NM_001144952.2(SDK2):c.2810G>A (p.Arg937Gln)

Gene: SDK2 (sidekick cell adhesion molecule 2; minus strand). Cytogenetic location: 17q25.1.
Variant type: single nucleotide variant.
Coding change: c.2810G>A on transcript NM_001144952.2 (MANE Select); coding-DNA position 2810, G replaced by A.
Protein change: p.Arg937Gln; replaces arginine 937 with glutamine.
Molecular consequence: missense variant.
Genome position (GRCh38, 1-based): chr17:73,401,181, C>T on the plus strand (G>A on the coding strand, the complement: SDK2 is on the minus strand). VCF-style: chr17-73401181-C-T. GRCh37 (hg19) VCF-style: chr17-71397320-C-T.
Other names: short protein forms R937Q.
Identifiers: ClinVar variation 996838 (VCV000996838.4), dbSNP rs144141099, ClinGen allele CA8743340.